The following is an entry in ClinVar:

ClinVar aggregate classification (germline): Uncertain significance. Review status: criteria provided, multiple submitters, no conflicts (2 of 4 stars). 3 submissions from 3 submitters: Uncertain significance (3). Last evaluated 2022-08-08.

Conditions:
Neuromuscular disease caused by qualitative or quantitative defects of dysferlin. Also called: Qualitative or quantitative defects of dysferlin; Dysferlinopathy. Identifiers: Orphanet 207073, MedGen C2931687, MONDO:0016145.
Autosomal recessive limb-girdle muscular dystrophy type 2B (LGMDR2). Also called: Limb-girdle muscular dystrophy, type 2B; MUSCULAR DYSTROPHY, LIMB-GIRDLE, AUTOSOMAL RECESSIVE 2; MUSCULAR DYSTROPHY, LIMB-GIRDLE, TYPE 3; Limb-Girdle Muscular Dystrophy Type 2B (LGMD2B). Identifiers: Orphanet 268, MedGen C1850889, MONDO:0009676, OMIM 253601.

Allele frequency attached by ClinVar (database versions not stated): ExAC 0.00001; gnomAD exomes 0.00001; TOPMed 0.00001; gnomAD 0.00003.
gnomAD v4.1: 23 of 1,614,040 alleles (0.0014%); highest among the groups gnomAD compares: Non-Finnish European, 0.0019%; no homozygotes.

Submissions (3):

MGZ Medical Genetics Center
Classification: Uncertain significance for Autosomal recessive limb-girdle muscular dystrophy type 2B. Last evaluated: 2022-08-08. Review status: criteria provided, single submitter. Criteria: ACMG Guidelines, 2015. Collection method: clinical testing. Allele origin: germline. Affected: yes. Observed: 1 variant allele.
Comment: ACMG criteria applied: PM2_SUP

Labcorp Genetics (formerly Invitae), Labcorp
Classification: Uncertain significance for Neuromuscular disease caused by qualitative or quantitative defects of dysferlin. Last evaluated: 2021-09-02. Review status: criteria provided, single submitter. Criteria: Invitae Variant Classification Sherloc (09022015). Collection method: clinical testing. Allele origin: germline.
Comment: This sequence change replaces threonine with serine at codon 925 of the DYSF protein (p.Thr925Ser). The threonine residue is weakly conserved and there is a small physicochemical difference between threonine and serine. This variant is present in population databases (rs749240847, ExAC 0.002%). This variant has not been reported in the literature in individuals affected with DYSF-related conditions. Algorithms developed to predict the effect of missense changes on protein structure and function (SIFT, PolyPhen-2, Align-GVGD) all suggest that this variant is likely to be tolerated. In summary, the available evidence is currently insufficient to determine the role of this variant in disease. Therefore, it has been classified as a Variant of Uncertain Significance.

Revvity Omics, Revvity
Classification: Uncertain significance. Last evaluated: 2019-10-08. Review status: criteria provided, single submitter. Criteria: ACMG Guidelines, 2015. Collection method: clinical testing. Allele origin: germline.

NM_001130987.2(DYSF):c.2827A>T (p.Thr943Ser)

Gene: DYSF (dysferlin; plus strand). Cytogenetic location: 2p13.2.
Variant type: single nucleotide variant.
Coding change: c.2827A>T on transcript NM_001130987.2 (MANE Select); coding-DNA position 2827, A replaced by T.
Protein change: p.Thr943Ser; replaces threonine 943 with serine.
Molecular consequence: missense variant.
Genome position (GRCh38, 1-based): chr2:71,568,301, A>T. VCF-style: chr2-71568301-A-T. GRCh37 (hg19) VCF-style: chr2-71795431-A-T.
Other names: c.2776A>T, p.Thr926Ser (NM_001130455.2, NM_001130983.2); c.2731A>T, p.Thr911Ser (NM_001130976.2, NM_001130977.2); c.2773A>T, p.Thr925Ser (NM_001130978.2, NM_003494.4); c.2866A>T, p.Thr956Ser (NM_001130979.2); c.2824A>T, p.Thr942Ser (NM_001130980.2, NM_001130981.2); c.2869A>T, p.Thr957Ser (NM_001130982.2); c.2734A>T, p.Thr912Ser (NM_001130984.2, NM_001130986.2); c.2827A>T, p.Thr943Ser (NM_001130985.2); and 1 more; short protein forms T911S, T912S, T925S, T926S, T942S, T943S, T956S, T957S.
Identifiers: ClinVar variation 1709729 (VCV001709729.7), dbSNP rs749240847, ClinGen allele CA1706293.
Genomic context (GRCh38, chr2:71,568,301, plus strand): 5'-TCTGACGTCACGGGCAAGATCAAGCTACCCAAGGACAGCTTCCGCCCCTCGGCCGGCTGG[A>T]CCTGGGCTGGAGATTGGTTCGTGTGTCCGGAGAAGACGTGAGTCGTGGGCAGGGAGGGCT-3'
Protein context (NP_001124459.1, residues 933-953): KDSFRPSAGW[Thr943Ser]WAGDWFVCPE